The following is an entry in ClinVar:

NM_004385.5(VCAN):c.5086C>T (p.Pro1696Ser)

Genes: VCAN (versican; plus strand), VCAN-AS1 (VCAN antisense RNA 1; minus strand). Cytogenetic location: 5q14.3.
Variant type: single nucleotide variant.
Coding change: c.5086C>T on transcript NM_004385.5 (MANE Select); coding-DNA position 5086, C replaced by T.
Protein change: p.Pro1696Ser; replaces proline 1696 with serine.
Molecular consequence: missense variant. On other transcripts: intron variant (2).
Genome position (GRCh38, 1-based): chr5:83,538,089, C>T. VCF-style: chr5-83538089-C-T. GRCh37 (hg19) VCF-style: chr5-82833908-C-T.
Other names: c.2125C>T, p.Pro709Ser (NM_001164097.2); c.4004-7448C>T (NM_001164098.2); c.1043-7448C>T (NM_001126336.3); short protein forms P1696S, P709S.
Identifiers: ClinVar variation 3010704 (VCV003010704.3), dbSNP rs1245341585, ClinGen allele CA360309646.

ClinVar aggregate classification (germline): Uncertain significance (1 of 4 stars; one submission).

gnomAD v4.1: 1 of 1,614,016 alleles (0.000062%); no homozygotes.

Submission:

Labcorp Genetics (formerly Invitae), Labcorp
Classification: Uncertain significance. Last evaluated: 2023-10-18. Review status: criteria provided, single submitter. Criteria: Invitae Variant Classification Sherloc (09022015). Collection method: clinical testing. Allele origin: germline.
Comment: This sequence change replaces proline, which is neutral and non-polar, with serine, which is neutral and polar, at codon 1696 of the VCAN protein (p.Pro1696Ser). This variant is not present in population databases (gnomAD no frequency). This variant has not been reported in the literature in individuals affected with VCAN-related conditions. Algorithms developed to predict the effect of missense changes on protein structure and function output the following: SIFT: "Not Available"; PolyPhen-2: "Benign"; Align-GVGD: "Not Available". The serine amino acid residue is found in multiple mammalian species, which suggests that this missense change does not adversely affect protein function. In summary, the available evidence is currently insufficient to determine the role of this variant in disease. Therefore, it has been classified as a Variant of Uncertain Significance.